The following is an entry in ClinVar:

ClinVar aggregate classification (germline): Uncertain significance (1 of 4 stars; one submission).

Submission:

GeneDx
Classification: Uncertain significance. Last evaluated: 2019-05-09. Review status: criteria provided, single submitter. Criteria: GeneDx Variant Classification Process June 2021. Collection method: clinical testing. Allele origin: germline. Affected: yes.
Comment: Has not been previously published as pathogenic or benign to our knowledge; Not observed in large population cohorts (Lek et al., 2016); In silico analysis, which includes protein predictors and evolutionary conservation, supports that this variant does not alter protein structure/function

NM_001271.4(CHD2):c.3036T>G (p.Ser1012Arg)

Genes: CHD2 (chromodomain helicase DNA binding protein 2; plus strand), LOC126862230 (P300/CBP strongly-dependent group 1 enhancer GRCh37_chr15:93523977-93525176; plus strand). Cytogenetic location: 15q26.1.
Variant type: single nucleotide variant.
Coding change: c.3036T>G on transcript NM_001271.4 (MANE Select); coding-DNA position 3036, T replaced by G.
Protein change: p.Ser1012Arg; replaces serine 1012 with arginine.
Molecular consequence: missense variant.
Genome position (GRCh38, 1-based): chr15:92,981,427, T>G. VCF-style: chr15-92981427-T-G. GRCh37 (hg19) VCF-style: chr15-93524657-T-G.
Other names: short protein forms S1012R.
Identifiers: ClinVar variation 1305445 (VCV001305445.2), dbSNP rs768946382, ClinGen allele CA393894972.